The following is an entry in ClinVar:

NM_021008.4(DEAF1):c.251C>T (p.Pro84Leu)

Gene: DEAF1 (DEAF1 transcription factor; minus strand). Cytogenetic location: 11p15.5.
Variant type: single nucleotide variant.
Coding change: c.251C>T on transcript NM_021008.4 (MANE Select); coding-DNA position 251, C replaced by T.
Protein change: p.Pro84Leu; replaces proline 84 with leucine.
Molecular consequence: missense variant. On other transcripts: intron variant (1).
Genome position (GRCh38, 1-based): chr11:694,797, G>A on the plus strand (C>T on the coding strand, the complement: DEAF1 is on the minus strand). VCF-style: chr11-694797-G-A. GRCh37 (hg19) VCF-style: chr11-694797-G-A.
Other names: c.251C>T, p.Pro84Leu (NM_001293634.2); c.-437-3199C>T (NM_001367390.1); short protein forms P84L.
Identifiers: ClinVar variation 3764362 (VCV003764362.2).

ClinVar aggregate classification (germline): Uncertain significance (1 of 4 stars; one submission).

Submission:

GeneDx
Classification: Uncertain significance. Last evaluated: 2026-09-08. Review status: criteria provided, single submitter. Criteria: GeneDx Variant Classification Process June 2021. Collection method: clinical testing. Allele origin: germline.
Comment: Not observed at significant frequency in large population cohorts (gnomAD); In silico analysis supports that this missense variant has a deleterious effect on protein structure/function; Has not been previously published as pathogenic or benign to our knowledge